The following is an entry in ClinVar:

NM_001256627.2(BRSK2):c.273-7C>T

Gene: BRSK2 (BR serine/threonine kinase 2; plus strand). Cytogenetic location: 11p15.5.
Variant type: single nucleotide variant.
Coding change: c.273-7C>T on transcript NM_001256627.2 (MANE Select); 7 bases into the intron before coding-DNA position 273, C replaced by T.
Molecular consequence: intron variant.
Genome position (GRCh38, 1-based): chr11:1,440,781, C>T. VCF-style: chr11-1440781-C-T. GRCh37 (hg19) VCF-style: chr11-1462011-C-T.
Other names: c.273-7C>T (NM_001256629.2, NM_003957.4); c.93-7C>T (NM_001282218.2); c.411-7C>T (NM_001256630.1).
Identifiers: ClinVar variation 2641319 (VCV002641319.24), dbSNP rs367917739, ClinGen allele CA5810439.

ClinVar aggregate classification (germline): Likely benign (1 of 4 stars; one submission).

Allele frequency attached by ClinVar (database versions not stated): 1000 Genomes Project 30x 0.00016; TOPMed 0.00051; gnomAD 0.00053; ESP Exome Variant Server 0.00070; ExAC 0.00072.
gnomAD v4.1: 1,271 of 1,561,624 alleles (0.081%); highest among the groups gnomAD compares: Non-Finnish European, 0.1%; 4 homozygotes.

Submission:

CeGaT Center for Human Genetics Tuebingen
Classification: Likely benign. Last evaluated: 2024-03-01. Review status: criteria provided, single submitter. Criteria: CeGaT Center For Human Genetics Tuebingen Variant Classification Criteria Version 2. Collection method: clinical testing. Allele origin: germline. Affected: yes. Observed: 2 variant alleles.
Comment: BRSK2: BP4, BP7, BS2